The following is an entry in ClinVar:

NM_001127208.3(TET2):c.1655T>G (p.Leu552Arg)

Genes: TET2 (tet methylcytosine dioxygenase 2; plus strand), TET2-AS1 (TET2 antisense RNA 1; minus strand). Cytogenetic location: 4q24.
Variant type: single nucleotide variant.
Coding change: c.1655T>G on transcript NM_001127208.3 (MANE Select); coding-DNA position 1655, T replaced by G.
Protein change: p.Leu552Arg; replaces leucine 552 with arginine.
Molecular consequence: missense variant.
Genome position (GRCh38, 1-based): chr4:105,235,597, T>G. VCF-style: chr4-105235597-T-G. GRCh37 (hg19) VCF-style: chr4-106156754-T-G.
Other names: c.1655T>G, p.Leu552Arg (NM_017628.4); short protein forms L552R.
Identifiers: ClinVar variation 5030778 (VCV005030778.1).

ClinVar aggregate classification (germline): Uncertain significance (1 of 4 stars; one submission).

Submission:

Ambry Genetics
Classification: Uncertain significance. Last evaluated: 2026-09-05. Review status: criteria provided, single submitter. Criteria: Ambry Variant Classification Scheme 2023. Collection method: clinical testing. Allele origin: germline.
Comment: The p.L552R variant (also known as c.1655T>G), located in coding exon 1 of the TET2 gene, results from a T to G substitution at nucleotide position 1655. The leucine at codon 552 is replaced by arginine, an amino acid with dissimilar properties. This amino acid position is conserved. In addition, this alteration is predicted to be tolerated by in silico analysis. Based on the available evidence, the clinical significance of this variant remains unclear.